The following is an entry in ClinVar:

ClinVar aggregate classification (germline): Uncertain significance (1 of 4 stars; one submission).

Conditions:
Cystic fibrosis (CF). Also called: MUCOVISCIDOSIS. Identifiers: Orphanet 586, MedGen C0010674, MONDO:0009061, OMIM 219700. Disease mechanism: loss of function.

Submission:

Ambry Genetics
Classification: Uncertain significance for Cystic fibrosis. Last evaluated: 2025-02-07. Review status: criteria provided, single submitter. Criteria: Ambry Variant Classification Scheme 2023. Collection method: clinical testing. Allele origin: germline.
Comment: The p.D1275N variant (also known as c.3823G>A), located in coding exon 23 of the CFTR gene, results from a G to A substitution at nucleotide position 3823. The aspartic acid at codon 1275 is replaced by asparagine, an amino acid with highly similar properties. This amino acid position is not well conserved in available vertebrate species. In addition, the in silico prediction for this alteration is inconclusive. Based on the available evidence, the clinical significance of this variant remains unclear.

NM_000492.4(CFTR):c.3823G>A (p.Asp1275Asn)

Genes: CFTR (CF transmembrane conductance regulator; plus strand), CFTR-AS2 (CFTR antisense RNA 2; minus strand). Cytogenetic location: 7q31.2.
Variant type: single nucleotide variant.
Coding change: c.3823G>A on transcript NM_000492.4 (MANE Select); coding-DNA position 3823, G replaced by A.
Protein change: p.Asp1275Asn; replaces aspartic acid 1275 with asparagine.
Molecular consequence: missense variant.
Genome position (GRCh38, 1-based): chr7:117,642,543, G>A. VCF-style: chr7-117642543-G-A. GRCh37 (hg19) VCF-style: chr7-117282597-G-A.
Other names: short protein forms D1275N.
Identifiers: ClinVar variation 3832584 (VCV003832584.1).